The following is an entry in ClinVar:

ClinVar aggregate classification (germline): Uncertain significance (1 of 4 stars; one submission).

Submission:

GeneDx
Classification: Uncertain significance. Last evaluated: 2022-10-19. Review status: criteria provided, single submitter. Criteria: GeneDx Variant Classification Process June 2021. Collection method: clinical testing. Allele origin: germline. Affected: yes.
Comment: Not observed at significant frequency in large population cohorts (gnomAD); In silico analysis supports that this missense variant does not alter protein structure/function; Has not been previously published as pathogenic or benign to our knowledge

NM_014271.4(IL1RAPL1):c.2068A>T (p.Ser690Cys)

Gene: IL1RAPL1 (interleukin 1 receptor accessory protein like 1; plus strand). Cytogenetic location: Xp21.2.
Variant type: single nucleotide variant.
Coding change: c.2068A>T on transcript NM_014271.4 (MANE Select); coding-DNA position 2068, A replaced by T.
Protein change: p.Ser690Cys; replaces serine 690 with cysteine.
Molecular consequence: missense variant.
Genome position (GRCh38, 1-based): chrX:29,955,797, A>T. VCF-style: chrX-29955797-A-T. GRCh37 (hg19) VCF-style: chrX-29973914-A-T.
Other names: short protein forms S690C.
Identifiers: ClinVar variation 2499699 (VCV002499699.1), dbSNP rs2518941698, ClinGen allele CA412635667.